The following is an entry in ClinVar:

ClinVar aggregate classification (germline): Pathogenic. Review status: reviewed by expert panel (3 of 4 stars). 3 submissions from 3 submitters: Pathogenic (1). 2 of the submissions do not count toward it. Last evaluated 2016-10-18.

Conditions:
Breast-ovarian cancer, familial, susceptibility to, 2 (BROVCA2). Also called: BRCA2 Hereditary Breast and Ovarian Cancer. Identifiers: Orphanet 145, MedGen C2675520, MONDO:0012933, OMIM 612555. Disease mechanism: loss of function.
Hereditary cancer-predisposing syndrome. Also called: Hereditary Cancer Syndrome; Tumor predisposition; Hereditary neoplastic syndrome; Neoplastic Syndromes, Hereditary. Identifiers: Orphanet 140162, MedGen C0027672, MeSH D009386, MONDO:0015356.

Submissions (3):

Evidence-based Network for the Interpretation of Germline Mutant Alleles (ENIGMA)
Classification: Pathogenic for Breast-ovarian cancer, familial, susceptibility to, 2. Last evaluated: 2016-10-18. Review status: reviewed by expert panel. Criteria: ENIGMA BRCA1/2 Classification Criteria (2015). Collection method: curation. Allele origin: germline.
Comment: Variant allele predicted to encode a truncated non-functional protein.

Ambry Genetics
Classification: Pathogenic for Hereditary cancer-predisposing syndrome. Last evaluated: 2026-09-08. Review status: criteria provided, single submitter. Criteria: Ambry Variant Classification Scheme 2023. Collection method: clinical testing. Allele origin: germline. Not counted in ClinVar's aggregate classification.
Comment: The c.6012_6016delAGATA pathogenic mutation, located in coding exon 10 of the BRCA2 gene, results from a deletion of 5 nucleotides at nucleotide positions 6012 to 6016, causing a translational frameshift with a predicted alternate stop codon (p.D2005Yfs*11). This variant is considered to be rare based on population cohorts in the Genome Aggregation Database (gnomAD). This alteration is expected to result in loss of function by premature protein truncation or nonsense-mediated mRNA decay. As such, this alteration is interpreted as a disease-causing mutation.

Consortium of Investigators of Modifiers of BRCA1/2 (CIMBA), c/o University of Cambridge
Classification: Pathogenic for Breast-ovarian cancer, familial, susceptibility to, 2. Last evaluated: 2015-10-02. Review status: criteria provided, single submitter. Criteria: CIMBA Mutation Classification guidelines May 2016. Collection method: clinical testing. Allele origin: germline. Not counted in ClinVar's aggregate classification.

NM_000059.4(BRCA2):c.6012_6016del (p.Asp2005fs)

Gene: BRCA2 (BRCA2 DNA repair associated; plus strand). Cytogenetic location: 13q13.1.
Variant type: Deletion.
Coding change: c.6012_6016del on transcript NM_000059.4 (MANE Select); coding-DNA positions 6012 to 6016, 5 bases deleted (AGATA; older notation c.6012_6016delAGATA).
Protein change: p.Asp2005fs; shifts the reading frame from aspartic acid 2005.
Molecular consequence: frameshift variant.
Genome position (GRCh38, 1-based): chr13:32,340,367-32,340,371, AGATA deleted; deleting any 5 consecutive bases within chr13:32,340,366-32,340,371 gives the same sequence; the c. name uses the placement nearest the transcript's 3' end. VCF-style (leftmost placement, unchanged base first): chr13-32340365-GAAGAT-G. GRCh37 (hg19) VCF-style: chr13-32914502-GAAGAT-G.
Other names: 6240del5; c.6012_6016delAGATA (NM_000059.3); short protein forms D2005fs.
Identifiers: ClinVar variation 266914 (VCV000266914.8), dbSNP rs886040627, ClinGen allele CA10589345.